The following is an entry in ClinVar:

ClinVar aggregate classification (germline): Likely benign. Review status: criteria provided, multiple submitters, no conflicts (2 of 4 stars). 2 submissions from 2 submitters: Likely benign (2). Last evaluated 2024-11-01.

Conditions:
Multiple endocrine neoplasia, type 1 (MEN1). Also called: MEA I; MEN I; WERMER SYNDROME; Endocrine adenomatosis multiple; MEN 1. Identifiers: Orphanet 652, MedGen C0025267, MeSH D018761, MONDO:0007540, OMIM 131100.

Submissions (2):

Myriad Genetics, Inc.
Classification: Likely benign for Multiple endocrine neoplasia, type 1. Last evaluated: 2024-11-01. Review status: criteria provided, single submitter. Criteria: Myriad Autosomal Dominant, Autosomal Recessive and X-Linked Classification Criteria (2023). Collection method: clinical testing. Allele origin: unknown.
Comment: This variant is considered likely benign. This variant is intronic and is not expected to impact mRNA splicing.

Labcorp Genetics (formerly Invitae), Labcorp
Classification: Likely benign for Multiple endocrine neoplasia, type 1. Last evaluated: 2020-12-03. Review status: criteria provided, single submitter. Criteria: Invitae Variant Classification Sherloc (09022015). Collection method: clinical testing. Allele origin: germline.

NM_001370259.2(MEN1):c.445+9C>G

Gene: MEN1 (menin 1; minus strand). Cytogenetic location: 11q13.1.
Variant type: single nucleotide variant.
Coding change: c.445+9C>G on transcript NM_001370259.2 (MANE Select); 9 bases into the intron after coding-DNA position 445, C replaced by G.
Molecular consequence: intron variant. On other transcripts: missense variant (6).
Genome position (GRCh38, 1-based): chr11:64,809,656, G>C on the plus strand (C>G on the coding strand, the complement: MEN1 is on the minus strand). VCF-style: chr11-64809656-G-C. GRCh37 (hg19) VCF-style: chr11-64577128-G-C.
Other names: c.454C>G, p.Pro152Ala (NM_000244.4, NM_130800.3, NM_130801.3 and 3 more transcripts); c.445+9C>G (NM_130799.3, NM_001370260.2, NM_001370251.2 and 3 more transcripts); short protein forms P152A.
Identifiers: ClinVar variation 1658232 (VCV001658232.9), dbSNP rs2136177395, ClinGen allele CA381186578.